The following is an entry in ClinVar:

ClinVar aggregate classification (germline): Uncertain significance. Review status: criteria provided, multiple submitters, no conflicts (2 of 4 stars). 2 submissions from 2 submitters: Uncertain significance (2). Last evaluated 2025-11-12.

Conditions:
Inborn genetic diseases. Identifiers: MedGen C0950123, MeSH D030342.

Submissions (2):

Labcorp Genetics (formerly Invitae), Labcorp
Classification: Uncertain significance. Last evaluated: 2025-11-12. Review status: criteria provided, single submitter. Criteria: Invitae Variant Classification Sherloc (09022015). Collection method: clinical testing. Allele origin: germline.
Comment: This sequence change replaces threonine, which is neutral and polar, with serine, which is neutral and polar, at codon 180 of the MBD4 protein (p.Thr180Ser). This variant is not present in population databases (gnomAD no frequency). This variant has not been reported in the literature in individuals affected with MBD4-related conditions. ClinVar contains an entry for this variant (Variation ID: 3543765). An algorithm developed to predict the effect of missense changes on protein structure and function (PolyPhen-2) suggests that this variant is likely to be disruptive. In summary, the available evidence is currently insufficient to determine the role of this variant in disease. Therefore, it has been classified as a Variant of Uncertain Significance.

Ambry Genetics
Classification: Uncertain significance for Inborn genetic diseases. Last evaluated: 2024-11-22. Review status: criteria provided, single submitter. Criteria: Ambry Variant Classification Scheme 2023. Collection method: clinical testing. Allele origin: germline.
Comment: The p.T180S variant (also known as c.539C>G), located in coding exon 3 of the MBD4 gene, results from a C to G substitution at nucleotide position 539. The threonine at codon 180 is replaced by serine, an amino acid with similar properties. This amino acid position is conserved. In addition, this alteration is predicted to be tolerated by in silico analysis. Based on the available evidence, the clinical significance of this variant remains unclear.

NM_001276270.2(MBD4):c.539C>G (p.Thr180Ser)

Gene: MBD4 (methyl-CpG binding domain 4, DNA glycosylase; minus strand). Cytogenetic location: 3q21.3.
Variant type: single nucleotide variant.
Coding change: c.539C>G on transcript NM_001276270.2 (MANE Select); coding-DNA position 539, C replaced by G.
Protein change: p.Thr180Ser; replaces threonine 180 with serine.
Molecular consequence: missense variant. On other transcripts: intron variant (1).
Genome position (GRCh38, 1-based): chr3:129,437,105, G>C on the plus strand (C>G on the coding strand, the complement: MBD4 is on the minus strand). VCF-style: chr3-129437105-G-C. GRCh37 (hg19) VCF-style: chr3-129155948-G-C.
Other names: c.539C>G, p.Thr180Ser (NM_001276271.2, NM_001276272.2, NM_003925.3); c.247+703C>G (NM_001276273.2); short protein forms T180S.
Identifiers: ClinVar variation 3543765 (VCV003543765.2).
Genomic context (GRCh38, chr3:129,437,105, plus strand): 5'-TCCTGCAACTCTGAACTACTACTTGGCGGCATAAACACATCCTTTTTGCACTTGCTTCGG[G>C]TCCTGAGGTTCCAGTTTGAATTGTTACTTTGGTTTTGTAGATGGGATGTCAGGGCTGCCA-3'
Protein context (NP_001263199.1, residues 170-190): QSNNSNWNLR[Thr180Ser]RSKCKKDVFM